The following is an entry in ClinVar:

NM_005159.5(ACTC1):c.318_319delinsTT (p.Leu107Phe)

Genes: ACTC1 (actin alpha cardiac muscle 1; minus strand), GJD2-DT (GJD2 divergent transcript; plus strand). Cytogenetic location: 15q14.
Variant type: Indel.
Coding change: c.318_319delinsTT on transcript NM_005159.5 (MANE Select); coding-DNA positions 318 to 319, GC replaced by TT.
Protein change: p.Leu107Phe; replaces leucine 107 with phenylalanine.
Molecular consequence: missense variant. On other transcripts: 5 prime UTR variant (1).
Genome position (GRCh38, 1-based): chr15:34,793,380-34,793,381, GC replaced by AA on the plus strand (GC replaced by TT on the coding strand, the reverse complement: ACTC1 is on the minus strand). VCF-style: chr15-34793380-GC-AA. GRCh37 (hg19) VCF-style: chr15-35085581-GC-AA.
Other names: c.318_319delinsTT, p.Leu107Phe (NM_001406482.1, NM_001406483.1); c.183_184delinsTT, p.Leu62Phe (NM_001406484.1); c.-71_-70delinsTT (NM_001406485.1); short protein forms L62F, L107F.
Identifiers: ClinVar variation 3263694 (VCV003263694.1).

ClinVar aggregate classification (germline): Uncertain significance (1 of 4 stars; one submission).

Conditions:
Cardiovascular phenotype. Identifiers: MedGen CN230736.

Submission:

Ambry Genetics
Classification: Uncertain significance for Cardiovascular phenotype. Last evaluated: 2024-03-30. Review status: criteria provided, single submitter. Criteria: Ambry Variant Classification Scheme 2023. Collection method: clinical testing. Allele origin: germline.
Comment: The c.318_319delGCinsTT variant (also known as p.L107F), located in coding exon 2 of the ACTC1 gene, results from an in-frame deletion of GC and insertion of TT at nucleotide positions 318 to 319. This results in the substitution of the leucine residue for a phenylalanine residue at codon 107, an amino acid with highly similar properties. This amino acid position is highly conserved in available vertebrate species. In addition, the in silico prediction for this alteration is inconclusive (Choi Y et al. PLoS ONE. 2012; 7(10):e46688). Based on the available evidence, the clinical significance of this alteration remains unclear.